The following is an entry in ClinVar:

NM_001130438.3(SPTAN1):c.4201T>A (p.Phe1401Ile)

Gene: SPTAN1 (spectrin alpha, non-erythrocytic 1; plus strand). Cytogenetic location: 9q34.11.
Variant type: single nucleotide variant.
Coding change: c.4201T>A on transcript NM_001130438.3 (MANE Select); coding-DNA position 4201, T replaced by A.
Protein change: p.Phe1401Ile; replaces phenylalanine 1401 with isoleucine.
Molecular consequence: missense variant.
Genome position (GRCh38, 1-based): chr9:128,607,906, T>A. VCF-style: chr9-128607906-T-A. GRCh37 (hg19) VCF-style: chr9-131370185-T-A.
Other names: c.4201T>A (NM_001130438.2); c.4141T>A, p.Phe1381Ile (NM_001195532.2, NM_001363765.2, NM_001375314.2); c.4201T>A, p.Phe1401Ile (NM_001363759.2, NM_001375310.1, NM_001375311.2 and 2 more transcripts); c.4237T>A, p.Phe1413Ile (NM_001375312.2, NM_001375318.1); short protein forms F1413I, F1381I, F1401I.
Identifiers: ClinVar variation 2094104 (VCV002094104.5), dbSNP rs762172535, ClinGen allele CA5265138.

ClinVar aggregate classification (germline): Conflicting classifications of pathogenicity. Review status: criteria provided, conflicting classifications (1 of 4 stars). 2 submissions from 2 submitters: Uncertain significance (1); Likely benign (1). Last evaluated 2024-04-25.

Conditions:
Inborn genetic diseases. Identifiers: MedGen C0950123, MeSH D030342.
Early-infantile DEE. Also called: Ohtahara syndrome; Early infantile epileptic encephalopathy with suppression bursts; Early infantile epileptic encephalopathy. Identifiers: Orphanet 1934, MedGen C0393706, MONDO:0800491.

Allele frequency attached by ClinVar (database versions not stated): ExAC 0.00004.
gnomAD v4.1: 18 of 1,613,920 alleles (0.0011%); highest among the groups gnomAD compares: South Asian, 0.02%; no homozygotes.

Submissions (2):

Labcorp Genetics (formerly Invitae), Labcorp
Classification: Uncertain significance for Early-infantile DEE. Last evaluated: 2024-04-25. Review status: criteria provided, single submitter. Criteria: Invitae Variant Classification Sherloc (09022015). Collection method: clinical testing. Allele origin: germline.
Comment: This sequence change replaces phenylalanine, which is neutral and non-polar, with isoleucine, which is neutral and non-polar, at codon 1401 of the SPTAN1 protein (p.Phe1401Ile). This variant is present in population databases (rs762172535, gnomAD 0.03%). This variant has not been reported in the literature in individuals affected with SPTAN1-related conditions. ClinVar contains an entry for this variant (Variation ID: 2094104). Advanced modeling of protein sequence and biophysical properties (such as structural, functional, and spatial information, amino acid conservation, physicochemical variation, residue mobility, and thermodynamic stability) has been performed at Invitae for this missense variant, however the output from this modeling did not meet the statistical confidence thresholds required to predict the impact of this variant on SPTAN1 protein function. In summary, the available evidence is currently insufficient to determine the role of this variant in disease. Therefore, it has been classified as a Variant of Uncertain Significance.

Ambry Genetics
Classification: Likely benign for Inborn genetic diseases. Last evaluated: 2023-09-26. Review status: criteria provided, single submitter. Criteria: Ambry Variant Classification Scheme 2023. Collection method: clinical testing. Allele origin: germline.